The following is an entry in ClinVar:

NM_006445.4(PRPF8):c.341G>A (p.Arg114Gln)

Gene: PRPF8 (pre-mRNA processing factor 8; minus strand). Cytogenetic location: 17p13.3.
Variant type: single nucleotide variant.
Coding change: c.341G>A on transcript NM_006445.4 (MANE Select); coding-DNA position 341, G replaced by A.
Protein change: p.Arg114Gln; replaces arginine 114 with glutamine.
Molecular consequence: missense variant.
Genome position (GRCh38, 1-based): chr17:1,682,222, C>T on the plus strand (G>A on the coding strand, the complement: PRPF8 is on the minus strand). VCF-style: chr17-1682222-C-T. GRCh37 (hg19) VCF-style: chr17-1585516-C-T.
Other names: short protein forms R114Q.
Identifiers: ClinVar variation 4769316 (VCV004769316.2).

ClinVar aggregate classification (germline): Uncertain significance. Review status: criteria provided, multiple submitters, no conflicts (2 of 4 stars). 2 submissions from 2 submitters: Uncertain significance (2). Last evaluated 2025-11-25.

gnomAD v4.1: 1 of 1,613,976 alleles (0.000062%); highest among the groups gnomAD compares: Admixed American, 0.0017%; no homozygotes.

Submissions (2):

Labcorp Genetics (formerly Invitae), Labcorp
Classification: Uncertain significance. Last evaluated: 2025-11-25. Review status: criteria provided, single submitter. Criteria: Invitae Variant Classification Sherloc (09022015). Collection method: clinical testing. Allele origin: germline.
Comment: This sequence change replaces arginine, which is basic and polar, with glutamine, which is neutral and polar, at codon 114 of the PRPF8 protein (p.Arg114Gln). This variant is not present in population databases (gnomAD no frequency). This variant has not been reported in the literature in individuals affected with PRPF8-related conditions. Invitae Evidence Modeling of protein sequence and biophysical properties (such as structural, functional, and spatial information, amino acid conservation, physicochemical variation, residue mobility, and thermodynamic stability) has been performed for this missense variant. However, the output from this modeling did not meet the statistical confidence thresholds required to predict the impact of this variant on PRPF8 protein function. In summary, the available evidence is currently insufficient to determine the role of this variant in disease. Therefore, it has been classified as a Variant of Uncertain Significance.

Blueprint Genetics
Classification: Uncertain significance. Last evaluated: 2021-11-18. Review status: criteria provided, single submitter. Criteria: ACMG Guidelines, 2015. Collection method: clinical testing. Allele origin: germline.